The following is an entry in ClinVar:

ClinVar aggregate classification (germline): Likely benign. Review status: criteria provided, multiple submitters, no conflicts (2 of 4 stars). 2 submissions from 2 submitters: Likely benign (2). Last evaluated 2020-07-28.

Conditions:
Cardiovascular phenotype. Identifiers: MedGen CN230736.

Allele frequency attached by ClinVar (database versions not stated): ExAC 0.00003; gnomAD exomes 0.00001 and 0.00003; TOPMed below 0.00001.

Submissions (2):

Ambry Genetics
Classification: Likely benign for Cardiovascular phenotype. Last evaluated: 2020-07-28. Review status: criteria provided, single submitter. Criteria: Ambry Variant Classification Scheme 2023. Collection method: clinical testing. Allele origin: germline.

GeneDx
Classification: Likely benign. Last evaluated: 2012-09-26. Review status: criteria provided, single submitter. Criteria: GeneDx Variant Classification (06012015). Collection method: clinical testing. Allele origin: germline. Affected: yes.
Comment: This variant is considered likely benign or benign based on one or more of the following criteria: it is a conservative change, it occurs at a poorly conserved position in the protein, it is predicted to be benign by multiple in silico algorithms, and/or has population frequency not consistent with disease.

NM_001267550.2(TTN):c.72064G>A (p.Asp24022Asn)

Genes: TTN (titin; minus strand), TTN-AS1 (TTN antisense RNA 1; plus strand). Cytogenetic location: 2q31.2.
Variant type: single nucleotide variant.
Coding change: c.72064G>A on transcript NM_001267550.2 (MANE Select); coding-DNA position 72064, G replaced by A.
Protein change: p.Asp24022Asn; replaces aspartic acid 24022 with asparagine.
Molecular consequence: missense variant.
Genome position (GRCh38, 1-based): chr2:178,574,068, C>T on the plus strand (G>A on the coding strand, the complement: TTN is on the minus strand). VCF-style: chr2-178574068-C-T. GRCh37 (hg19) VCF-style: chr2-179438795-C-T.
Other names: p.D21454N:GAT>AAT; c.67141G>A, p.Asp22381Asn (NM_001256850.1); c.44869G>A, p.Asp14957Asn (NM_003319.4); c.64360G>A, p.Asp21454Asn (NM_133378.4); c.45244G>A, p.Asp15082Asn (NM_133432.3); c.45445G>A, p.Asp15149Asn (NM_133437.4); short protein forms D21454N, D24022N, D22381N, D15149N, D14957N, D15082N.
Identifiers: ClinVar variation 202325 (VCV000202325.5), dbSNP rs767886519, ClinGen allele CA309091.